The following is an entry in ClinVar:

ClinVar aggregate classification (germline): Uncertain significance (1 of 4 stars; one submission).

gnomAD v4.1: 1 of 1,608,498 alleles (0.000062%); highest among the groups gnomAD compares: Non-Finnish European, 0.000085%; no homozygotes.

Submission:

Labcorp Genetics (formerly Invitae), Labcorp
Classification: Uncertain significance. Last evaluated: 2024-01-22. Review status: criteria provided, single submitter. Criteria: Invitae Variant Classification Sherloc (09022015). Collection method: clinical testing. Allele origin: germline.
Comment: This sequence change replaces leucine, which is neutral and non-polar, with valine, which is neutral and non-polar, at codon 453 of the NAA15 protein (p.Leu453Val). This variant is not present in population databases (gnomAD no frequency). This variant has not been reported in the literature in individuals affected with NAA15-related conditions. An algorithm developed to predict the effect of missense changes on protein structure and function (PolyPhen-2) suggests that this variant is likely to be disruptive. Algorithms developed to predict the effect of sequence changes on RNA splicing suggest that this variant may create or strengthen a splice site. In summary, the available evidence is currently insufficient to determine the role of this variant in disease. Therefore, it has been classified as a Variant of Uncertain Significance.

NM_057175.5(NAA15):c.1357C>G (p.Leu453Val)

Gene: NAA15 (N-alpha-acetyltransferase 15, NatA auxiliary subunit; plus strand). Cytogenetic location: 4q31.1.
Variant type: single nucleotide variant.
Coding change: c.1357C>G on transcript NM_057175.5 (MANE Select); coding-DNA position 1357, C replaced by G.
Protein change: p.Leu453Val; replaces leucine 453 with valine.
Molecular consequence: missense variant.
Genome position (GRCh38, 1-based): chr4:139,359,842, C>G. VCF-style: chr4-139359842-C-G. GRCh37 (hg19) VCF-style: chr4-140280996-C-G.
Other names: c.1357C>G, p.Leu453Val (NM_001410842.1); short protein forms L453V.
Identifiers: ClinVar variation 3621686 (VCV003621686.2).
Genomic context (GRCh38, chr4:139,359,842, plus strand): 5'-GAGGCCCAGGCCTTGGACACAGCAGACAGATTTATCAACTCCAAATGTGCAAAATACATG[C>G]TAAAAGCCAACCTGATTAAAGAAGCTGAAGAAATGTGCTCAAAGTTTACAAGGGTTTGTA-3'
Protein context (NP_476516.1, residues 443-463): FINSKCAKYM[Leu453Val]KANLIKEAEE